The following is an entry in ClinVar:

NM_000553.6(WRN):c.1861_1863dup (p.Ser621_Ala622insSer)

Gene: WRN (WRN RecQ like helicase; plus strand). Cytogenetic location: 8p12.
Variant type: Duplication.
Coding change: c.1861_1863dup on transcript NM_000553.6 (MANE Select); coding-DNA positions 1861 to 1863, 3 bases duplicated (TCA; older notation c.1861_1863dupTCA).
Protein change: p.Ser621_Ala622insSer.
Molecular consequence: inframe insertion.
Genome position (GRCh38, 1-based): chr8:31,091,861-31,091,863, TCA duplicated; duplicating any 3 consecutive bases within chr8:31,091,860-31,091,863 gives the same sequence; the c. name uses the placement nearest the transcript's 3' end. VCF-style (leftmost placement, unchanged base first): chr8-31091859-G-GATC. GRCh37 (hg19) VCF-style: chr8-30949375-G-GATC.
Identifiers: ClinVar variation 2840343 (VCV002840343.3), dbSNP rs2535934078, ClinGen allele CA2739280007.

ClinVar aggregate classification (germline): Uncertain significance (1 of 4 stars; one submission).

Conditions:
Werner syndrome (WRN). Identifiers: Orphanet 902, MedGen C0043119, MONDO:0010196, OMIM 277700.

Submission:

Labcorp Genetics (formerly Invitae), Labcorp
Classification: Uncertain significance for Werner syndrome. Last evaluated: 2023-02-24. Review status: criteria provided, single submitter. Criteria: Invitae Variant Classification Sherloc (09022015). Collection method: clinical testing. Allele origin: germline.
Comment: In summary, the available evidence is currently insufficient to determine the role of this variant in disease. Therefore, it has been classified as a Variant of Uncertain Significance. This variant has not been reported in the literature in individuals affected with WRN-related conditions. This variant is not present in population databases (gnomAD no frequency). This variant, c.1861_1863dup, results in the insertion of 1 amino acid(s) of the WRN protein (p.Ser621dup), but otherwise preserves the integrity of the reading frame.